The following is an entry in ClinVar:

NM_020461.4(TUBGCP6):c.2443C>T (p.Pro815Ser)

Gene: TUBGCP6 (tubulin gamma complex component 6; minus strand). Cytogenetic location: 22q13.33.
Variant type: single nucleotide variant.
Coding change: c.2443C>T on transcript NM_020461.4 (MANE Select); coding-DNA position 2443, C replaced by T.
Protein change: p.Pro815Ser; replaces proline 815 with serine.
Molecular consequence: missense variant.
Genome position (GRCh38, 1-based): chr22:50,222,069, G>A on the plus strand (C>T on the coding strand, the complement: TUBGCP6 is on the minus strand). VCF-style: chr22-50222069-G-A. GRCh37 (hg19) VCF-style: chr22-50660498-G-A.
Other names: short protein forms P815S.
Identifiers: ClinVar variation 942637 (VCV000942637.7), dbSNP rs199664158, ClinGen allele CA10308220.

ClinVar aggregate classification (germline): Uncertain significance. Review status: criteria provided, multiple submitters, no conflicts (2 of 4 stars). 3 submissions from 3 submitters: Uncertain significance (3). Last evaluated 2025-09-22.

Conditions:
Inborn genetic diseases. Identifiers: MedGen C0950123, MeSH D030342.

Allele frequency attached by ClinVar (database versions not stated): gnomAD exomes 0.00002 and 0.00004; TOPMed 0.00003; gnomAD 0.00004 and 0.00007; ExAC 0.00008; 1000 Genomes Project 0.00100; 1000 Genomes Project 30x 0.00109.
gnomAD v4.1: 45 of 1,613,826 alleles (0.0028%); highest among the groups gnomAD compares: African/African-American, 0.015%; no homozygotes.

Submissions (3):

Ambry Genetics
Classification: Uncertain significance for Inborn genetic diseases. Last evaluated: 2025-09-22. Review status: criteria provided, single submitter. Criteria: Ambry Variant Classification Scheme 2023. Collection method: clinical testing. Allele origin: germline.

Labcorp Genetics (formerly Invitae), Labcorp
Classification: Uncertain significance. Last evaluated: 2022-10-24. Review status: criteria provided, single submitter. Criteria: Invitae Variant Classification Sherloc (09022015). Collection method: clinical testing. Allele origin: germline.
Comment: This sequence change replaces proline, which is neutral and non-polar, with serine, which is neutral and polar, at codon 815 of the TUBGCP6 protein (p.Pro815Ser). This variant is present in population databases (rs199664158, gnomAD 0.02%). This variant has not been reported in the literature in individuals affected with TUBGCP6-related conditions. ClinVar contains an entry for this variant (Variation ID: 942637). Algorithms developed to predict the effect of missense changes on protein structure and function output the following: SIFT: "Tolerated"; PolyPhen-2: "Benign"; Align-GVGD: "Class C0". The serine amino acid residue is found in multiple mammalian species, which suggests that this missense change does not adversely affect protein function. In summary, the available evidence is currently insufficient to determine the role of this variant in disease. Therefore, it has been classified as a Variant of Uncertain Significance.

Blueprint Genetics
Classification: Uncertain significance. Last evaluated: 2019-01-30. Review status: criteria provided, single submitter. Criteria: ACMG Guidelines, 2015. Collection method: clinical testing. Allele origin: germline.